The following is an entry in ClinVar:

NM_001243226.3(TCF4):c.86T>C (p.Met29Thr)

Gene: TCF4 (transcription factor 4; minus strand). Cytogenetic location: 18q21.2.
Variant type: single nucleotide variant.
Coding change: c.86T>C on transcript NM_001243226.3; coding-DNA position 86, T replaced by C.
Protein change: p.Met29Thr; replaces methionine 29 with threonine.
Molecular consequence: missense variant.
Genome position (GRCh38, 1-based): chr18:55,635,812, A>G on the plus strand (T>C on the coding strand, the complement: TCF4 is on the minus strand). VCF-style: chr18-55635812-A-G. GRCh37 (hg19) VCF-style: chr18-53303043-A-G.
Other names: short protein forms M29T.
Identifiers: ClinVar variation 982899 (VCV000982899.5), dbSNP rs748774594, ClinGen allele CA8970722.

ClinVar aggregate classification (germline): Uncertain significance. Review status: criteria provided, multiple submitters, no conflicts (2 of 4 stars). 2 submissions from 2 submitters: Uncertain significance (2). Last evaluated 2020-10-19.

Conditions:
Pitt-Hopkins syndrome (PTHS). Also called: MENTAL RETARDATION, SYNDROMAL, WITH INTERMITTENT HYPERVENTILATION; ENCEPHALOPATHY, SEVERE EPILEPTIC, WITH AUTONOMIC DYSFUNCTION. Identifiers: Orphanet 2896, MedGen C1970431, MONDO:0012589, OMIM 610954.

Allele frequency attached by ClinVar (database versions not stated): ExAC below 0.00001; gnomAD exomes 0.00002.
gnomAD v4.1: 25 of 1,555,494 alleles (0.0016%); highest among the groups gnomAD compares: Non-Finnish European, 0.0022%; no homozygotes.

Submissions (2):

Victorian Clinical Genetics Services, Murdoch Childrens Research Institute
Classification: Uncertain significance for Pitt-Hopkins syndrome. Last evaluated: 2020-10-19. Review status: criteria provided, single submitter. Criteria: ACMG Guidelines, 2015. Collection method: clinical testing. Allele origin: germline. Inheritance: Autosomal recessive inheritance. Affected: yes.
Comment: Based on the classification scheme VCGS_Germline_v1.3.3, this variant is classified as 3C-VUS. Following criteria are met: 0102 - Loss of function is a known mechanism of disease in this gene and is associated with Pitt-Hopkins syndrome (MIM#610954). (I) 0107 - This gene is associated with autosomal dominant disease. (I) 0200 - Variant is predicted to result in a missense amino acid change from methionine to threonine. (I) 0219 - This variant is non-coding in an alternative transcript. The variant is intergenic in all other transcripts, however it is coding in the longest isoform (NCBI, UCSC).(I) 0251 - This variant is heterozygous. (I) 0301 - Variant is absent from gnomAD (both v2 and v3). (SP) 0503 - Missense variant consistently predicted to be tolerated by multiple in silico tools or not conserved in placental mammals with a minor amino acid change. (SB) 0604 - Variant is not located in an established domain, motif, hotspot or informative constraint region. (I) 0705 - No comparable missense variants have previous evidence for pathogenicity. (I) 0807 - This variant has no previous evidence of pathogenicity. (I) 0905 - No published segregation evidence has been identified for this variant. (I) 1007 - No published functional evidence has been identified for this variant. (I) 1208 - Inheritance information for this variant is not currently available in this individual. (I) Legend: (SP) - Supporting pathogenic, (I) - Information, (SB) - Supporting benign

Institute of Human Genetics, University of Leipzig Medical Center
Classification: Uncertain significance for Pitt-Hopkins syndrome. Last evaluated: 2019-01-01. Review status: criteria provided, single submitter. Criteria: ACMG Guidelines, 2015. Collection method: clinical testing. Allele origin: unknown. Affected: no.